The following is an entry in ClinVar:

NM_003072.5(SMARCA4):c.258C>T (p.Asp86=)

Gene: SMARCA4 (SWI/SNF related BAF chromatin remodeling complex subunit ATPase 4; plus strand). Cytogenetic location: 19p13.2.
Variant type: single nucleotide variant.
Coding change: c.258C>T on transcript NM_003072.5 (MANE Select); coding-DNA position 258, C replaced by T.
Protein change: p.Asp86=; no amino-acid change (aspartic acid 86 retained).
Molecular consequence: synonymous variant. On other transcripts: non-coding transcript variant (1).
Genome position (GRCh38, 1-based): chr19:10,985,308, C>T. VCF-style: chr19-10985308-C-T. GRCh37 (hg19) VCF-style: chr19-11095984-C-T.
Other names: c.258C>T (NM_001128849.2); c.258C>T, p.Asp86= (NM_001128844.3, NM_001128845.2, NM_001128846.2 and 5 more transcripts).
Identifiers: ClinVar variation 415145 (VCV000415145.62), dbSNP rs115992445, ClinGen allele CA9203445.

ClinVar aggregate classification (germline): Benign/Likely benign. Review status: criteria provided, multiple submitters, no conflicts (2 of 4 stars). 12 submissions from 12 submitters: Benign (7); Likely benign (5). Last evaluated 2026-07-08.

Conditions:
Hereditary cancer-predisposing syndrome. Also called: Hereditary Cancer Syndrome; Hereditary neoplastic syndrome; Neoplastic Syndromes, Hereditary; Tumor predisposition. Identifiers: Orphanet 140162, MedGen C0027672, MeSH D009386, MONDO:0015356.
Rhabdoid tumor predisposition syndrome 2 (RTPS2). Identifiers: Orphanet 231108, Orphanet 69077, MedGen C2750074, MONDO:0013224, OMIM 613325.
Intellectual disability, autosomal dominant 16 (CSS4). Also called: COFFIN-SIRIS SYNDROME 4. Identifiers: Orphanet 1465, MedGen C3553249, MONDO:0013821, OMIM 614609.

Allele frequency attached by ClinVar (database versions not stated): 1000 Genomes Project 0.00160; gnomAD exomes 0.00044 and 0.00017; gnomAD 0.00147 and 0.00153; TOPMed 0.00151; ESP Exome Variant Server 0.00154; ExAC 0.00054; 1000 Genomes Project 30x 0.00172.
gnomAD v4.1: 473 of 1,614,012 alleles (0.029%); highest among the groups gnomAD compares: African/African-American, 0.49%; 5 homozygotes.

Submissions (12):

Myriad Genetics, Inc.
Classification: Benign for Rhabdoid tumor predisposition syndrome 2. Last evaluated: 2026-07-08. Review status: criteria provided, single submitter. Criteria: Myriad Autosomal Dominant, Autosomal Recessive and X-Linked Classification Criteria (2023). Collection method: clinical testing. Allele origin: unknown.
Comment: This variant is considered benign. This variant is a silent/synonymous amino acid change and it is not expected to impact splicing.

CeGaT Center for Human Genetics Tuebingen
Classification: Likely benign. Last evaluated: 2026-04-01. Review status: criteria provided, single submitter. Criteria: CeGaT Center For Human Genetics Tuebingen Variant Classification Criteria Version 2. Collection method: clinical testing. Allele origin: germline. Affected: yes. Observed: 2 variant alleles.
Comment: SMARCA4: BP4, BP7, BS1

Labcorp Genetics (formerly Invitae), Labcorp
Classification: Benign for Rhabdoid tumor predisposition syndrome 2. Last evaluated: 2026-01-28. Review status: criteria provided, single submitter. Criteria: Invitae Variant Classification Sherloc (09022015). Collection method: clinical testing. Allele origin: germline.

Quest Diagnostics Nichols Institute San Juan Capistrano
Classification: Benign. Last evaluated: 2025-10-30. Review status: criteria provided, single submitter. Criteria: Quest Diagnostics criteria. Collection method: clinical testing. Allele origin: unknown.

Laboratory of Genetics, Children's Clinical University Hospital Latvia
Classification: Benign. Last evaluated: 2025-02-16. Review status: criteria provided, single submitter. Criteria: ACMG Guidelines, 2015. Collection method: clinical testing. Allele origin: germline. Affected: yes.

Blueprint Genetics
Classification: Likely benign. Last evaluated: 2024-09-16. Review status: criteria provided, single submitter. Criteria: ACMG Guidelines, 2015. Collection method: clinical testing. Allele origin: germline.

ARUP Laboratories, Molecular Genetics and Genomics, ARUP Laboratories
Classification: Benign. Last evaluated: 2022-12-28. Review status: criteria provided, single submitter. Criteria: ARUP Molecular Germline Variant Investigation Process 2024. Collection method: clinical testing. Allele origin: germline.

Fulgent Genetics
Classification: Likely benign for Rhabdoid tumor predisposition syndrome 2; Intellectual disability, autosomal dominant 16. Last evaluated: 2021-09-11. Review status: criteria provided, single submitter. Criteria: ACMG Guidelines, 2015. Collection method: clinical testing. Allele origin: unknown.

Genome-Nilou Lab
Classification: Benign for Intellectual disability, autosomal dominant 16. Last evaluated: 2021-07-15. Review status: criteria provided, single submitter. Criteria: ACMG Guidelines, 2015. Collection method: clinical testing. Allele origin: germline. Affected: no.

GeneDx
Classification: Likely benign. Last evaluated: 2021-05-11. Review status: criteria provided, single submitter. Criteria: GeneDx Variant Classification Process June 2021. Collection method: clinical testing. Allele origin: germline. Affected: yes.

Sema4
Classification: Benign for Hereditary cancer-predisposing syndrome. Last evaluated: 2021-04-19. Review status: criteria provided, single submitter. Criteria: Sema4 Curation Guidelines. Collection method: curation. Allele origin: germline.

Ambry Genetics
Classification: Likely benign for Hereditary cancer-predisposing syndrome. Last evaluated: 2015-06-25. Review status: criteria provided, single submitter. Criteria: Ambry Variant Classification Scheme 2023. Collection method: clinical testing. Allele origin: germline.